The following is an entry in ClinVar:

ClinVar aggregate classification (germline): Uncertain significance (1 of 4 stars; one submission).

Conditions:
Cardiovascular phenotype. Identifiers: MedGen CN230736.

gnomAD v4.1: 14 of 1,614,148 alleles (0.00087%); highest among the groups gnomAD compares: Non-Finnish European, 0.001%; no homozygotes.

Submission:

Ambry Genetics
Classification: Uncertain significance for Cardiovascular phenotype. Last evaluated: 2025-03-31. Review status: criteria provided, single submitter. Criteria: Ambry Variant Classification Scheme 2023. Collection method: clinical testing. Allele origin: germline.
Comment: The p.I170M variant (also known as c.510A>G), located in coding exon 4 of the SCN10A gene, results from an A to G substitution at nucleotide position 510. The isoleucine at codon 170 is replaced by methionine, an amino acid with highly similar properties. This amino acid position is conserved. In addition, the in silico prediction for this alteration is inconclusive. Based on the available evidence, the clinical significance of this variant remains unclear.

NM_006514.4(SCN10A):c.510A>G (p.Ile170Met)

Gene: SCN10A (sodium voltage-gated channel alpha subunit 10; minus strand). Cytogenetic location: 3p22.2.
Variant type: single nucleotide variant.
Coding change: c.510A>G on transcript NM_006514.4 (MANE Select); coding-DNA position 510, A replaced by G.
Protein change: p.Ile170Met; replaces isoleucine 170 with methionine.
Molecular consequence: missense variant.
Genome position (GRCh38, 1-based): chr3:38,771,368, T>C on the plus strand (A>G on the coding strand, the complement: SCN10A is on the minus strand). VCF-style: chr3-38771368-T-C. GRCh37 (hg19) VCF-style: chr3-38812859-T-C.
Other names: c.510A>G, p.Ile170Met (NM_001293306.2, NM_001293307.2); short protein forms I170M.
Identifiers: ClinVar variation 3950854 (VCV003950854.1).